The following is an entry in ClinVar:

ClinVar aggregate classification (germline): Uncertain significance (1 of 4 stars; one submission).

Conditions:
Succinate-semialdehyde dehydrogenase deficiency (SSADHD). Also called: Succinic Semialdehyde Dehydrogenase Deficiency; SSADH DEFICIENCY; GABA METABOLIC DEFECT; 4-HYDROXYBUTYRIC ACIDURIA. Identifiers: Orphanet 22, MedGen C0268631, MONDO:0010083, OMIM 271980.

gnomAD v4.1: 9 of 1,532,650 alleles (0.00059%); highest among the groups gnomAD compares: Non-Finnish European, 0.00079%; no homozygotes.

Submission:

Labcorp Genetics (formerly Invitae), Labcorp
Classification: Uncertain significance for Succinate-semialdehyde dehydrogenase deficiency. Last evaluated: 2021-04-03. Review status: criteria provided, single submitter. Criteria: Invitae Variant Classification Sherloc (09022015). Collection method: clinical testing. Allele origin: germline.
Comment: In summary, the available evidence is currently insufficient to determine the role of this variant in disease. Therefore, it has been classified as a Variant of Uncertain Significance. Advanced modeling of protein sequence and biophysical properties (such as structural, functional, and spatial information, amino acid conservation, physicochemical variation, residue mobility, and thermodynamic stability) performed at Invitae indicates that this missense variant is not expected to disrupt ALDH5A1 protein function. This variant has not been reported in the literature in individuals with ALDH5A1-related conditions. The frequency data for this variant in the population databases is considered unreliable, as metrics indicate insufficient coverage at this position in the ExAC database. This sequence change replaces glutamic acid with glycine at codon 114 of the ALDH5A1 protein (p.Glu114Gly). The glutamic acid residue is weakly conserved and there is a moderate physicochemical difference between glutamic acid and glycine.

NM_001080.3(ALDH5A1):c.341A>G (p.Glu114Gly)

Genes: ALDH5A1 (aldehyde dehydrogenase 5 family member A1; plus strand), LOC129995978 (ATAC-STARR-seq lymphoblastoid silent region 16989; plus strand). Cytogenetic location: 6p22.3.
Variant type: single nucleotide variant.
Coding change: c.341A>G on transcript NM_001080.3 (MANE Select); coding-DNA position 341, A replaced by G.
Protein change: p.Glu114Gly; replaces glutamic acid 114 with glycine.
Molecular consequence: missense variant.
Genome position (GRCh38, 1-based): chr6:24,495,337, A>G. VCF-style: chr6-24495337-A-G. GRCh37 (hg19) VCF-style: chr6-24495565-A-G.
Other names: c.341A>G, p.Glu114Gly (NM_001368954.1, NM_170740.1); short protein forms E114G.
Identifiers: ClinVar variation 1410862 (VCV001410862.8), dbSNP rs1370936799, ClinGen allele CA362968724.